The following is an entry in ClinVar:

ClinVar aggregate classification (germline): Uncertain significance (1 of 4 stars; one submission).

Conditions:
Fanconi anemia (FA). Also called: Fanconi's anemia. Identifiers: Orphanet 84, MedGen C0015625, MeSH D005199, MONDO:0019391.

Allele frequency attached by ClinVar (database versions not stated): TOPMed 0.00003.
gnomAD v4.1: 33 of 1,577,460 alleles (0.0021%); highest among the groups gnomAD compares: Non-Finnish European, 0.0026%; no homozygotes.

Submission:

Labcorp Genetics (formerly Invitae), Labcorp
Classification: Uncertain significance for Fanconi anemia. Last evaluated: 2022-12-18. Review status: criteria provided, single submitter. Criteria: Invitae Variant Classification Sherloc (09022015). Collection method: clinical testing. Allele origin: germline.
Comment: This sequence change replaces glycine, which is neutral and non-polar, with valine, which is neutral and non-polar, at codon 589 of the SLX4 protein (p.Gly589Val). This variant is not present in population databases (gnomAD no frequency). This variant has not been reported in the literature in individuals affected with SLX4-related conditions. Algorithms developed to predict the effect of missense changes on protein structure and function (SIFT, PolyPhen-2, Align-GVGD) all suggest that this variant is likely to be tolerated. Algorithms developed to predict the effect of sequence changes on RNA splicing suggest that this variant may create or strengthen a splice site. In summary, the available evidence is currently insufficient to determine the role of this variant in disease. Therefore, it has been classified as a Variant of Uncertain Significance.

NM_032444.4(SLX4):c.1766G>T (p.Gly589Val)

Gene: SLX4 (SLX4 structure-specific endonuclease subunit; minus strand). Cytogenetic location: 16p13.3.
Variant type: single nucleotide variant.
Coding change: c.1766G>T on transcript NM_032444.4 (MANE Select); coding-DNA position 1766, G replaced by T.
Protein change: p.Gly589Val; replaces glycine 589 with valine.
Molecular consequence: missense variant.
Genome position (GRCh38, 1-based): chr16:3,596,311, C>A on the plus strand (G>T on the coding strand, the complement: SLX4 is on the minus strand). VCF-style: chr16-3596311-C-A. GRCh37 (hg19) VCF-style: chr16-3646312-C-A.
Other names: short protein forms G589V.
Identifiers: ClinVar variation 2960024 (VCV002960024.3), dbSNP rs775596938, ClinGen allele CA7866412.